The following is an entry in ClinVar:

NM_144670.6(A2ML1):c.3269G>A (p.Gly1090Asp)

Gene: A2ML1 (alpha-2-macroglobulin like 1; plus strand). Cytogenetic location: 12p13.31.
Variant type: single nucleotide variant.
Coding change: c.3269G>A on transcript NM_144670.6 (MANE Select); coding-DNA position 3269, G replaced by A.
Protein change: p.Gly1090Asp; replaces glycine 1090 with aspartic acid.
Molecular consequence: missense variant.
Genome position (GRCh38, 1-based): chr12:8,860,885, G>A. VCF-style: chr12-8860885-G-A. GRCh37 (hg19) VCF-style: chr12-9013481-G-A.
Other names: c.1796G>A, p.Gly599Asp (NM_001282424.3); short protein forms G1090D, G599D.
Identifiers: ClinVar variation 241901 (VCV000241901.25), dbSNP rs200964353, ClinGen allele CA6436322.

ClinVar aggregate classification (germline): Benign/Likely benign. Review status: criteria provided, multiple submitters, no conflicts (2 of 4 stars). 7 submissions from 7 submitters: Benign (2); Likely benign (2). 3 of the submissions do not count toward it. Last evaluated 2026-02-03.

Allele frequency attached by ClinVar (database versions not stated): gnomAD exomes 0.00069 and 0.00105; ExAC 0.00070; gnomAD 0.00074 and 0.00080; TOPMed 0.00080; ESP Exome Variant Server 0.00125.
gnomAD v4.1: 1,641 of 1,613,980 alleles (0.1%); highest among the groups gnomAD compares: Non-Finnish European, 0.13%; 5 homozygotes.

Submissions (7):

Labcorp Genetics (formerly Invitae), Labcorp
Classification: Likely benign. Last evaluated: 2026-02-03. Review status: criteria provided, single submitter. Criteria: Invitae Variant Classification Sherloc (09022015). Collection method: clinical testing. Allele origin: germline.

Blueprint Genetics
Classification: Likely benign. Last evaluated: 2024-11-01. Review status: criteria provided, single submitter. Criteria: ACMG Guidelines, 2015. Collection method: clinical testing. Allele origin: germline.

Women's Health and Genetics/Laboratory Corporation of America, LabCorp
Classification: Benign. Last evaluated: 2019-12-09. Review status: criteria provided, single submitter. Criteria: LabCorp Variant Classification Summary - May 2015. Collection method: clinical testing. Allele origin: germline.
Comment: Variant summary: A2ML1 c.3269G>A (p.Gly1090Asp) results in a non-conservative amino acid change in the encoded protein sequence. Four of five in-silico tools predict a damaging effect of the variant on protein function. The variant allele was found at a frequency of 0.00069 in 249556 control chromosomes, predominantly at a frequency of 0.0013 within the Non-Finnish European subpopulation in the gnomAD database. The observed variant frequency within Non-Finnish European control individuals in the gnomAD database is approximately 325 fold of the estimated maximal expected allele frequency for a pathogenic variant in A2ML1 causing Noonan Syndrome phenotype (4e-06), strongly suggesting that the variant is a benign polymorphism found primarily in populations of Non-Finnish European origin. To our knowledge, no experimental evidence demonstrating an impact on protein function has been reported. A ClinVar submission (evaluation after 2014) cites the variant as likely benign. Based on the evidence outlined above, the variant was classified as benign.

GeneDx
Classification: Benign. Last evaluated: 2019-05-30. Review status: criteria provided, single submitter. Criteria: GeneDx Variant Classification Process June 2021. Collection method: clinical testing. Allele origin: germline. Affected: yes.

Clinical Genetics, Academic Medical Center
Classification: Benign. Review status: no assertion criteria provided. Collection method: clinical testing. Allele origin: germline. Affected: yes. Study: VKGL Data-share Consensus. Not counted in ClinVar's aggregate classification.

Diagnostic Laboratory, Department of Genetics, University Medical Center Groningen
Classification: Likely benign. Review status: no assertion criteria provided. Collection method: clinical testing. Allele origin: germline. Affected: yes. Study: VKGL Data-share Consensus. Not counted in ClinVar's aggregate classification.

Joint Genome Diagnostic Labs from Nijmegen and Maastricht, Radboudumc and MUMC+
Classification: Likely benign. Review status: no assertion criteria provided. Collection method: clinical testing. Allele origin: germline. Affected: yes. Study: VKGL Data-share Consensus. Not counted in ClinVar's aggregate classification.

Literature cited by the submitters: PubMed 24939586 (cited by Women's Health and Genetics/Laboratory Corporation of America, LabCorp).